The following is an entry in ClinVar:

ClinVar aggregate classification (germline): Uncertain significance (1 of 4 stars; one submission).

Allele frequency attached by ClinVar (database versions not stated): gnomAD exomes below 0.00001; TOPMed below 0.00001; gnomAD 0.00001.
gnomAD v4.1: 2 of 1,613,988 alleles (0.00012%); highest among the groups gnomAD compares: Non-Finnish European, 0.00017%; no homozygotes.

Submission:

Labcorp Genetics (formerly Invitae), Labcorp
Classification: Uncertain significance. Last evaluated: 2021-03-10. Review status: criteria provided, single submitter. Criteria: Invitae Variant Classification Sherloc (09022015). Collection method: clinical testing. Allele origin: germline.
Comment: This sequence change replaces tyrosine with phenylalanine at codon 1818 of the ALPK3 protein (p.Tyr1818Phe). The tyrosine residue is moderately conserved and there is a small physicochemical difference between tyrosine and phenylalanine. This variant is not present in population databases (ExAC no frequency). This variant has not been reported in the literature in individuals with ALPK3-related conditions. Algorithms developed to predict the effect of missense changes on protein structure and function output the following: SIFT: "Tolerated"; PolyPhen-2: "Benign"; Align-GVGD: "Class C0". The phenylalanine amino acid residue is found in multiple mammalian species, suggesting that this missense change does not adversely affect protein function. These predictions have not been confirmed by published functional studies and their clinical significance is uncertain. In summary, the available evidence is currently insufficient to determine the role of this variant in disease. Therefore, it has been classified as a Variant of Uncertain Significance.

NM_020778.5(ALPK3):c.4847A>T (p.Tyr1616Phe)

Gene: ALPK3 (alpha kinase 3; plus strand). Cytogenetic location: 15q25.3.
Variant type: single nucleotide variant.
Coding change: c.4847A>T on transcript NM_020778.5 (MANE Select); coding-DNA position 4847, A replaced by T.
Protein change: p.Tyr1616Phe; replaces tyrosine 1616 with phenylalanine.
Molecular consequence: missense variant.
Genome position (GRCh38, 1-based): chr15:84,868,185, A>T. VCF-style: chr15-84868185-A-T. GRCh37 (hg19) VCF-style: chr15-85411416-A-T.
Other names: short protein forms Y1616F.
Identifiers: ClinVar variation 1515894 (VCV001515894.8), dbSNP rs1383160502, ClinGen allele CA393365681.